The following is an entry in ClinVar:

NM_001376.5(DYNC1H1):c.6215T>C (p.Phe2072Ser)

Gene: DYNC1H1 (dynein cytoplasmic 1 heavy chain 1; plus strand). Cytogenetic location: 14q32.31.
Variant type: single nucleotide variant.
Coding change: c.6215T>C on transcript NM_001376.5 (MANE Select); coding-DNA position 6215, T replaced by C.
Protein change: p.Phe2072Ser; replaces phenylalanine 2072 with serine.
Molecular consequence: missense variant.
Genome position (GRCh38, 1-based): chr14:102,010,080, T>C. VCF-style: chr14-102010080-T-C. GRCh37 (hg19) VCF-style: chr14-102476417-T-C.
Other names: short protein forms F2072S.
Identifiers: ClinVar variation 2700848 (VCV002700848.3), dbSNP rs2503751136, ClinGen allele CA391053704.

ClinVar aggregate classification (germline): Uncertain significance (1 of 4 stars; one submission).

Conditions:
Charcot-Marie-Tooth disease axonal type 2O. Also called: CHARCOT-MARIE-TOOTH NEUROPATHY, AXONAL, TYPE 2O; CHARCOT-MARIE-TOOTH DISEASE, AXONAL, AUTOSOMAL DOMINANT, TYPE 2O; Charcot-Marie-Tooth Neuropathy Type 2O; Charcot-Marie-Tooth disease, axonal, type 20. Identifiers: Orphanet 284232, MedGen C3280220, MONDO:0013644, OMIM 614228.

Allele frequency attached by ClinVar (database versions not stated): gnomAD exomes below 0.00001.
gnomAD v4.1: 1 of 1,613,670 alleles (0.000062%); highest among the groups gnomAD compares: South Asian, 0.0011%; no homozygotes.

Submission:

Labcorp Genetics (formerly Invitae), Labcorp
Classification: Uncertain significance for Charcot-Marie-Tooth disease axonal type 2O. Last evaluated: 2024-02-19. Review status: criteria provided, single submitter. Criteria: Invitae Variant Classification Sherloc (09022015). Collection method: clinical testing. Allele origin: germline.
Comment: This sequence change replaces phenylalanine, which is neutral and non-polar, with serine, which is neutral and polar, at codon 2072 of the DYNC1H1 protein (p.Phe2072Ser). This variant is not present in population databases (gnomAD no frequency). This variant has not been reported in the literature in individuals affected with DYNC1H1-related conditions. Advanced modeling of protein sequence and biophysical properties (such as structural, functional, and spatial information, amino acid conservation, physicochemical variation, residue mobility, and thermodynamic stability) performed at Invitae indicates that this missense variant is not expected to disrupt DYNC1H1 protein function with a negative predictive value of 95%. In summary, the available evidence is currently insufficient to determine the role of this variant in disease. Therefore, it has been classified as a Variant of Uncertain Significance.